The following is an entry in ClinVar:

ClinVar aggregate classification (germline): Uncertain significance. Review status: criteria provided, single submitter (1 of 4 stars). 2 submissions from 2 submitters: Uncertain significance (1). 1 of the submissions does not count toward it. Last evaluated 2025-05-31.

Conditions:
Fanconi anemia (FA). Also called: Fanconi's anemia. Identifiers: Orphanet 84, MedGen C0015625, MeSH D005199, MONDO:0019391.
Inborn genetic diseases. Identifiers: MedGen C0950123, MeSH D030342.

Submissions (2):

Ambry Genetics
Classification: Uncertain significance for Inborn genetic diseases. Last evaluated: 2025-05-31. Review status: criteria provided, single submitter. Criteria: Ambry Variant Classification Scheme 2023. Collection method: clinical testing. Allele origin: germline.
Comment: The p.H690N variant (also known as c.2068C>A), located in coding exon 23 of the FANCA gene, results from a C to A substitution at nucleotide position 2068. The histidine at codon 690 is replaced by asparagine, an amino acid with similar properties. This amino acid position is conserved. In addition, this alteration is predicted to be tolerated by in silico analysis. Based on the available evidence, the clinical significance of this variant remains unclear.

Natera, Inc.
Classification: Uncertain significance for Fanconi anemia. Last evaluated: 2025-02-17. Review status: no assertion criteria provided. Collection method: clinical testing. Allele origin: germline. Not counted in ClinVar's aggregate classification.

NM_000135.4(FANCA):c.2068C>A (p.His690Asn)

Gene: FANCA (FA complementation group A; minus strand). Cytogenetic location: 16q24.3.
Variant type: single nucleotide variant.
Coding change: c.2068C>A on transcript NM_000135.4 (MANE Select); coding-DNA position 2068, C replaced by A.
Protein change: p.His690Asn; replaces histidine 690 with asparagine.
Molecular consequence: missense variant.
Genome position (GRCh38, 1-based): chr16:89,771,761, G>T on the plus strand (C>A on the coding strand, the complement: FANCA is on the minus strand). VCF-style: chr16-89771761-G-T. GRCh37 (hg19) VCF-style: chr16-89838169-G-T.
Other names: c.2068C>A, p.His690Asn (NM_001286167.3); c.2068C>A (NM_000135.3); short protein forms H690N.
Identifiers: ClinVar variation 4022341 (VCV004022341.2).